The following is an entry in ClinVar:

ClinVar aggregate classification (germline): Uncertain significance. Review status: criteria provided, single submitter (1 of 4 stars). 2 submissions from 2 submitters: Uncertain significance (1). 1 of the submissions does not count toward it. Last evaluated 2026-05-26.

Conditions:
HOMER2-related disorder. Also called: HOMER2-related condition.
Inborn genetic diseases. Identifiers: MedGen C0950123, MeSH D030342.

gnomAD v4.1: 1 of 1,613,506 alleles (0.000062%); highest among the groups gnomAD compares: Admixed American, 0.0017%; no homozygotes.

Submissions (2):

Ambry Genetics
Classification: Uncertain significance for Inborn genetic diseases. Last evaluated: 2026-05-26. Review status: criteria provided, single submitter. Criteria: Ambry Variant Classification Scheme 2023. Collection method: clinical testing. Allele origin: germline.

PreventionGenetics, part of Exact Sciences
Classification: Uncertain significance for HOMER2-related condition. Last evaluated: 2024-05-30. Review status: no assertion criteria provided. Collection method: clinical testing. Allele origin: germline. Not counted in ClinVar's aggregate classification.
Comment: The HOMER2 c.1016T>A variant is predicted to result in the amino acid substitution p.Leu339Gln. To our knowledge, this variant has not been reported in the literature or in a large population database, indicating this variant is rare. At this time, the clinical significance of this variant is uncertain due to the absence of conclusive functional and genetic evidence.

NM_004839.4(HOMER2):c.1016T>A (p.Leu339Gln)

Gene: HOMER2 (homer scaffold protein 2; minus strand). Cytogenetic location: 15q25.2.
Variant type: single nucleotide variant.
Coding change: c.1016T>A on transcript NM_004839.4 (MANE Select); coding-DNA position 1016, T replaced by A.
Protein change: p.Leu339Gln; replaces leucine 339 with glutamine.
Molecular consequence: missense variant.
Genome position (GRCh38, 1-based): chr15:82,849,731, A>T on the plus strand (T>A on the coding strand, the complement: HOMER2 is on the minus strand). VCF-style: chr15-82849731-A-T. GRCh37 (hg19) VCF-style: chr15-83518483-A-T.
Other names: c.1049T>A (NM_199330.2); c.1049T>A, p.Leu350Gln (NM_199330.3); short protein forms L339Q, L350Q.
Identifiers: ClinVar variation 3355189 (VCV003355189.2).